The following is an entry in ClinVar:

NM_006218.4(PIK3CA):c.325GAA[1] (p.Glu110del)

Gene: PIK3CA (phosphatidylinositol-4,5-bisphosphate 3-kinase catalytic subunit alpha; plus strand). Cytogenetic location: 3q26.32.
Variant type: Microsatellite.
Coding change: c.325GAA[1] on transcript NM_006218.4 (MANE Select); one copy of the 3-base unit GAA starting at c.325; the reference has two copies in a row; one copy, 3 bases deleted.
Protein change: p.Glu110del; deletes glutamic acid 110.
Molecular consequence: inframe deletion.
Genome position (GRCh38, 1-based): chr3:179,199,153-179,199,155, GAA deleted; deleting any 3 consecutive bases within chr3:179,199,150-179,199,155 gives the same sequence; the position shown is the placement nearest the transcript's 3' end. VCF-style (leftmost placement, unchanged base first): chr3-179199149-TGAA-T. GRCh37 (hg19) VCF-style: chr3-178916937-TGAA-T.
Other names: NM_006218.4:c.328_330del; NM_006218.4(PIK3CA):c.325GAA[1]; p.Glu110del; c.328_330delGAA (NM_006218.3, NM_006218.2, NM_006218.4); short protein forms E110del.
Identifiers: ClinVar variation 995382 (VCV000995382.41), dbSNP rs1724343994, ClinGen allele CA645535219.

ClinVar aggregate classification (germline): Likely pathogenic. Review status: reviewed by expert panel (3 of 4 stars). 14 submissions from 12 submitters: Likely pathogenic (1). 13 of the submissions do not count toward it. Last evaluated 2025-06-06.
ClinVar aggregate classification (somatic clinical impact): Tier I - Strong. Review status: criteria provided, single submitter (1 of 4 stars). 2 submissions from 1 submitter. Last evaluated 2025-06-13.
ClinVar aggregate classification (oncogenicity): Likely oncogenic (1 of 4 stars; one submission).

Conditions:
Rare venous malformation. Identifiers: Orphanet 211252, MedGen C0265950, MONDO:0016232.
Overgrowth syndrome and/or cerebral malformations due to abnormalities in MTOR pathway genes. Identifiers: MedGen CN300503, MONDO:0100283.
Inborn genetic diseases. Identifiers: MedGen C0950123, MeSH D030342.
PIK3CA related overgrowth syndrome. Also called: PIK3CA-Related Segmental Overgrowth; PIK3CA related overgrowth spectrum. Identifiers: Orphanet 530313, MedGen C4728213, MONDO:1040002.
Angioosteohypertrophic syndrome (KTS). Also called: Klippel-Trenaunay Syndrome; KTW SYNDROME. Identifiers: Orphanet 90308, MedGen C0022739, MeSH D007715, MONDO:0007864, OMIM 149000.
PIK3CA-related disorder. Also called: PIK3CA- related disease; PIK3CA-related disorders; PIK3CA-related condition.
CLOVES syndrome. Also called: Congenital Lipomatous Overgrowth, Vascular Malformations, Epidermal Nevi, Scoliosis/Skeletal and Spinal (CLOVES) Syndrome; CLOVE SYNDROME; CONGENITAL LIPOMATOUS OVERGROWTH, VASCULAR MALFORMATIONS, EPIDERMAL NEVI, AND SKELETAL/SPINAL ABNORMALITIES; CLOVES; CONGENITAL LIPOMATOUS OVERGROWTH, VASCULAR MALFORMATIONS, AND EPIDERMAL NEVI, SOMATIC; Congenital lipomatous overgrowth, vascular malformations, and epidermal nevi. Identifiers: Orphanet 140944, MedGen C2752042, MONDO:0013038, OMIM 612918. Disease mechanism: gain of function.
Giant cell glioblastoma. Identifiers: Orphanet 251579, MedGen C0334588, MONDO:0016682.
Embryonal rhabdomyosarcoma (ERMS). Also called: Botryoid rhabdomyosarcoma (type of ERMS); Spindle cell rhabdomyosarcomas (type of ERMS). Identifiers: Orphanet 99757, MedGen C0206656, MONDO:0009993, HP:0006743.
Neoplasm. Also called: Neoplasms; Neoplasm (disease); tumor. Identifiers: MedGen C0027651, MeSH D009369, MONDO:0005070, HP:0002664.

Submissions 1 to 7 of 17:

ClinGen Brain Malformations Variant Curation Expert Panel
Classification: Likely pathogenic for Overgrowth syndrome and/or cerebral malformations due to abnormalities in MTOR pathway genes. Last evaluated: 2025-06-06. Review status: reviewed by expert panel. Criteria: ClinGen BrainMalform ACMG Specifications V1.1.0. Collection method: curation. Allele origin: germline. Inheritance: Autosomal dominant inheritance.
Comment: The NM_006218.4:c.325GAA[1] (p.Glu110del) variant in PIK3CA is an in-frame deletion of 1 amino acid of the PIK3CA protein. This variant is absent from gnomAD v4.1.0 (PM2_Supporting). This variant was identified in a patient with a lymphatic malformation where phosphorylation was increased significantly above controls using patient derived cell lines (PS3_Moderate; PMID:29985963). The variant was also seen in two patients with CLOVES syndrome, two patients with MCAP, two patients with macrodactyly, three patients with facial infiltrating lipomatosis, one patient with facial overgrowth, one patient with hemimegalencephaly and extracerebral segmental overgrowth, one patient with Klippel Trenaunay Syndrome, and in two additional tumor samples from COSMIC (PS4; PMIDs: 29985963, 28151489, 28502725, 29174369, 37452404, 37580112, 34170046). Testing of unaffected and affected tissue showed variable allelic fractions consistent with a post-zygotic event (PS2_Moderate; PMIDs: 28502725, 28151489). In summary, this variant meets the criteria to be classified as likely pathogenic for overgrowth syndrome and/or cerebral malformations due to abnormalities in MTOR pathway genes based on the ACMG/AMP criteria applied, as specified by the ClinGen Brain Malformations Variant Curation Expert Panel: PM2_Supporting, PS4, PS2_Moderate, PS3_Moderate (ClinGen Brain Malformations VCEP Specifications Version 1.1).

3billion
Classification: Likely pathogenic for PIK3CA-related disorder. Last evaluated: 2025-12-22. Review status: criteria provided, single submitter. Criteria: ACMG Guidelines, 2015. Collection method: clinical testing. Allele origin: germline. Affected: yes. Not counted in ClinVar's aggregate classification.
Comment: The variant is not observed in the gnomAD v4.1.0 dataset. Predicted Consequence/Location: Inframe deletion located in a nonrepeat region: predicted to change the length of the protein and disrupt normal protein function. The variant has been observed in multiple (>3) similarly affected unrelated individualsas pathogenic (PMID: 37452404). Therefore, this variant is classified as Likely pathogenic according to the recommendation of ACMG/AMP guideline.

GeneDx
Classification: Pathogenic. Last evaluated: 2025-07-31. Review status: criteria provided, single submitter. Criteria: GeneDx Variant Classification Process June 2021. Collection method: clinical testing. Allele origin: germline. Affected: yes. Not counted in ClinVar's aggregate classification.
Comment: Not observed at significant frequency in large population cohorts (gnomAD); In-frame deletion of 1 amino acid in a non-repeat region; In silico analysis supports a deleterious effect on protein structure/function; This variant is associated with the following publications: (PMID: 28178681, 26226847, 29516089, 28502725, 29174369, 32404150, KoutlasIG2020[casereport], 37452404, 31490637)

Institute for Genomic Medicine (IGM) Clinical Laboratory, Nationwide Children's Hospital
Classification: Tier I - Strong for Embryonal rhabdomyosarcoma. Assertion type: diagnostic. Clinical significance: supports diagnosis. Last evaluated: 2025-06-13. Review status: criteria provided, single submitter. Criteria: AMP/ASCO/CAP Guidelines, 2017. Collection method: clinical testing. Allele origin: somatic. Affected: yes.
Comment: Variant has Tier I (strong) clinical significance as a diagnostic inclusion criterion in embryonal rhabdomyosarcoma, based on the following evidence: 1) Documented in one or more cancer databases (e.g., St. Jude Pecan, COSMIC, CIViC, OncoKB). 2) Information in the literature supports potential biologic effect of variant (PMIDs: 34779417, 29533785). 3) Diagnostic for a specific tumor type/classification based on well-powered studies with expert-level consensus (Evidence Level B; PMIDs: 24436047, 34166060, 24332040, 26138366, 25768946).

Ambry Genetics
Classification: Pathogenic for Inborn genetic diseases. Last evaluated: 2025-06-06. Review status: criteria provided, single submitter. Criteria: Ambry Variant Classification Scheme 2023. Collection method: clinical testing. Allele origin: germline. Not counted in ClinVar's aggregate classification.
Comment: The c.328_330delGAA (p.E110del) alteration is located in exon 2 (coding exon 1) of the PIK3CA gene. This alteration consists of an in-frame deletion of 3 nucleotides between nucleotide positions c.328 and c.330, resulting in the deletion of the glutamic acid (E) at codon 110. This variant was not reported in population-based cohorts in the Genome Aggregation Database (gnomAD). This variant has been identified as a confirmed or suspected result of somatic mosaicism in affected tissue samples from individual(s) with Klippel-Trenaunay syndrome, megalencephaly-capillary malformation syndrome, congenital lipomatous overgrowth with epidermal nevi and skeletal anomalies, macrodactyly, non-proportional overgrowth and infiltrating lipomatosis; all features consistent with PIK3CA-related disorders (Chang, 2017; Kuentz, 2017; Blesinger, 2018; Siegel, 2018; Koutlas, 2020; Tian, 2022; Chen, 2023; Zhang, 2023; Chen, 2024; Andreoti, 2025). This amino acid position is highly conserved in available vertebrate species. This alteration is predicted to be deleterious by in silico analysis (Choi, 2012). Based on the available evidence, this alteration is classified as pathogenic.

Center for Genomic Medicine, Rigshospitalet, Copenhagen University Hospital
Classification: Likely oncogenic for Neoplasm. Last evaluated: 2025-03-04. Review status: criteria provided, single submitter. Criteria: ClinGen/CGC/VICC Guidelines for Oncogenicity, 2022. Collection method: clinical testing. Allele origin: somatic. Affected: yes.

Institute for Genomic Medicine (IGM) Clinical Laboratory, Nationwide Children's Hospital
Classification: Tier I - Strong for Giant cell glioblastoma. Assertion type: diagnostic. Clinical significance: supports diagnosis. Last evaluated: 2024-09-12. Review status: criteria provided, single submitter. Criteria: AMP/ASCO/CAP Guidelines, 2017. Collection method: clinical testing. Allele origin: somatic. Affected: yes.
Comment: Variant has Tier I (strong) clinical significance as a diagnostic inclusion criterion in giant cell glioblastoma, based on the following evidence: 1) Documented in one or more cancer databases (e.g., St. Jude Pecan, COSMIC, CIViC, OncoKB). 2) Appears in one or more well-established professional guidelines (e.g., World Health Organization [WHO]; National Comprehensive Cancer Network [NCCN]) as providing diagnostic, prognostic, or therapeutic information. 3) Information in the literature supports potential biologic effect of variant (PMIDs: 34779417, 29533785). 4) Diagnostic for a specific tumor type/classification based on well-powered studies with expert-level consensus (Evidence Level B; PMIDs: 24120142, 32642724, 34952640, 33392505).